The following is an entry in ClinVar:

ClinVar aggregate classification (germline): Likely pathogenic (1 of 4 stars; one submission).

Conditions:
Hypotonia, ataxia, and delayed development syndrome (HADDS). Also called: EBF3 Neurodevelopmental Disorder. Identifiers: Orphanet 658843, MedGen C4310618, MONDO:0015021, OMIM 617330.

Submission:

Molecular Genetics Laboratory, Motol Hospital
Classification: Likely pathogenic for Hypotonia, ataxia, and delayed development syndrome. Last evaluated: 2025-11-07. Review status: criteria provided, single submitter. Criteria: ACMG Guidelines, 2015. Collection method: clinical testing. Allele origin: germline. Affected: yes. Observed: 1 variant allele.
Comment: Not present in gnomAD (v4.1.0), dbSNP or ClinVar (PM2). Rare variants affecting the EBF3 gene are associated with autosomal dominant "hypotonia, ataxia, and delayed development syndrome" (HADDS; MIM:617330; PMID:28017372;PMID:35340043;PMID:28017373;PMID:28017370). The variant is located in the mutation hotspot in the exon 7 of the EBF3 gene (PM1). To conclude, the variant c.622A>T is classified as likely pathogenic (PM2, PM1, PP2).

Literature cited by the submitters: PubMed 28017372; PubMed 35340043; PubMed 28017373; PubMed 28017370.

NM_001375380.1(EBF3):c.622A>T (p.Met208Leu)

Gene: EBF3 (EBF transcription factor 3; minus strand). Cytogenetic location: 10q26.3.
Variant type: single nucleotide variant.
Coding change: c.622A>T on transcript NM_001375380.1 (MANE Select); coding-DNA position 622, A replaced by T.
Protein change: p.Met208Leu; replaces methionine 208 with leucine.
Molecular consequence: missense variant.
Genome position (GRCh38, 1-based): chr10:129,877,782, T>A on the plus strand (A>T on the coding strand, the complement: EBF3 is on the minus strand). VCF-style: chr10-129877782-T-A. GRCh37 (hg19) VCF-style: chr10-131676046-T-A.
Other names: c.622A>T, p.Met208Leu (NM_001005463.3, NM_001375379.1, NM_001375389.1 and 3 more transcripts); short protein forms M208L.
Identifiers: ClinVar variation 4526894 (VCV004526894.1).